The following is an entry in ClinVar:

ClinVar aggregate classification (germline): Uncertain significance (1 of 4 stars; one submission).

Submission:

GeneDx
Classification: Uncertain significance. Last evaluated: 2019-07-12. Review status: criteria provided, single submitter. Criteria: GeneDx Variant Classification Process June 2021. Collection method: clinical testing. Allele origin: germline. Affected: yes.
Comment: Not observed in large population cohorts (Lek et al., 2016); In silico analysis, which includes protein predictors and evolutionary conservation, supports a deleterious effect; Has not been previously published as pathogenic or benign to our knowledge

NM_001292063.2(OTOG):c.1507T>C (p.Ser503Pro)

Gene: OTOG (otogelin; plus strand). Cytogenetic location: 11p15.1.
Variant type: single nucleotide variant.
Coding change: c.1507T>C on transcript NM_001292063.2 (MANE Select); coding-DNA position 1507, T replaced by C.
Protein change: p.Ser503Pro; replaces serine 503 with proline.
Molecular consequence: missense variant.
Genome position (GRCh38, 1-based): chr11:17,561,670, T>C. VCF-style: chr11-17561670-T-C. GRCh37 (hg19) VCF-style: chr11-17583217-T-C.
Other names: c.1543T>C, p.Ser515Pro (NM_001277269.2); short protein forms S503P, S515P.
Identifiers: ClinVar variation 1306955 (VCV001306955.2), dbSNP rs2134011193, ClinGen allele CA379817987.